The following is an entry in ClinVar:

ClinVar aggregate classification (germline): Uncertain significance. Review status: criteria provided, multiple submitters, no conflicts (2 of 4 stars). 3 submissions from 3 submitters: Uncertain significance (3). Last evaluated 2026-07-06.

Conditions:
Hereditary cancer-predisposing syndrome. Also called: Neoplastic Syndromes, Hereditary; Hereditary Cancer Syndrome; Tumor predisposition; Hereditary neoplastic syndrome. Identifiers: Orphanet 140162, MedGen C0027672, MeSH D009386, MONDO:0015356.

Submissions (3):

Ambry Genetics
Classification: Uncertain significance for Hereditary cancer-predisposing syndrome. Last evaluated: 2026-07-06. Review status: criteria provided, single submitter. Criteria: Ambry Variant Classification Scheme 2023. Collection method: clinical testing. Allele origin: germline.
Comment: The p.P372H variant (also known as c.1115C>A), located in coding exon 8 of the CDH1 gene, results from a C to A substitution at nucleotide position 1115. The proline at codon 372 is replaced by histidine, an amino acid with similar properties. This amino acid position is conserved. In addition, this alteration is predicted to be tolerated by in silico analysis. Based on the available evidence, the clinical significance of this variant remains unclear.

Women's Health and Genetics/Laboratory Corporation of America, LabCorp
Classification: Uncertain significance. Last evaluated: 2019-08-06. Review status: criteria provided, single submitter. Criteria: LabCorp Variant Classification Summary - May 2015. Collection method: clinical testing. Allele origin: germline.
Comment: Variant summary: CDH1 c.1115C>A (p.Pro372His) results in a non-conservative amino acid change located in the second cadherin repeat (IPR002126) of the encoded protein sequence. Four of five in-silico tools predict a damaging effect of the variant on protein function. The variant was absent in 251476 control chromosomes (gnomAD). The available data on variant occurrences in the general population are insufficient to allow any conclusion about variant significance. To our knowledge, no occurrence of c.1115C>A in individuals affected with Breast Cancer and no experimental evidence demonstrating its impact on protein function have been reported. Co-occurrences with other potentially pathogenic variant(s) have been reported (NBN c.317dupT (p.Arg107GlnfsX5) in an LCA internal sample), providing supporting evidence for a benign role. No clinical diagnostic laboratories have submitted clinical-significance assessments for this variant to ClinVar after 2014. Based on the evidence outlined above, the variant was classified as uncertain significance.

Color Diagnostics, LLC DBA Color Health
Classification: Uncertain significance for Hereditary cancer-predisposing syndrome. Last evaluated: 2019-02-27. Review status: criteria provided, single submitter. Criteria: ACMG Guidelines, 2015. Collection method: clinical testing. Allele origin: germline.

NM_004360.5(CDH1):c.1115C>A (p.Pro372His)

Gene: CDH1 (cadherin 1; plus strand). Cytogenetic location: 16q22.1.
Variant type: single nucleotide variant.
Coding change: c.1115C>A on transcript NM_004360.5 (MANE Select); coding-DNA position 1115, C replaced by A.
Protein change: p.Pro372His; replaces proline 372 with histidine.
Molecular consequence: missense variant. On other transcripts: 5 prime UTR variant (2).
Genome position (GRCh38, 1-based): chr16:68,812,241, C>A. VCF-style: chr16-68812241-C-A. GRCh37 (hg19) VCF-style: chr16-68846144-C-A.
Other names: c.1115C>A, p.Pro372His (NM_001317184.2); c.-501C>A (NM_001317185.2); c.-705C>A (NM_001317186.2); c.1115C>A (NM_004360.3); short protein forms P372H.
Identifiers: ClinVar variation 927035 (VCV000927035.3), dbSNP rs1555515760, ClinGen allele CA396460212.